The following is an entry in ClinVar:

ClinVar aggregate classification (germline): Pathogenic (1 of 4 stars; one submission).

Conditions:
Osteogenesis imperfecta type I (OI1). Also called: Lobstein's Disease; Lobstein disease; Classic Non-deforming Osteogenesis Imperfecta with Blue Sclerae; OI, TYPE I; OSTEOGENESIS IMPERFECTA TARDA; OSTEOGENESIS IMPERFECTA WITH BLUE SCLERAE. Identifiers: Orphanet 216796, Orphanet 666, MedGen C0023931, MONDO:0008146, OMIM 166200. Disease mechanism: loss of function.

Submission:

Labcorp Genetics (formerly Invitae), Labcorp
Classification: Pathogenic for Osteogenesis imperfecta type I. Last evaluated: 2024-05-13. Review status: criteria provided, single submitter. Criteria: Invitae Variant Classification Sherloc (09022015). Collection method: clinical testing. Allele origin: germline.
Comment: This sequence change creates a premature translational stop signal (p.Gly671Alafs*95) in the COL1A1 gene. It is expected to result in an absent or disrupted protein product. Loss-of-function variants in COL1A1 are known to be pathogenic (PMID: 7942841, 9295084, 9443882). This variant is not present in population databases (gnomAD no frequency). This premature translational stop signal has been observed in individual(s) with clinical features of COL1A1-related conditions (PMID: 31239369). For these reasons, this variant has been classified as Pathogenic.

Literature cited by the submitters: PubMed 7942841; PubMed 9295084; PubMed 9443882; PubMed 31239369.

NM_000088.4(COL1A1):c.2012del (p.Gly671fs)

Gene: COL1A1 (collagen type I alpha 1 chain; minus strand). Cytogenetic location: 17q21.33.
Variant type: Deletion.
Coding change: c.2012del on transcript NM_000088.4 (MANE Select); coding-DNA position 2012, one base deleted (G; older notation c.2012delG).
Protein change: p.Gly671fs; shifts the reading frame from glycine 671.
Molecular consequence: frameshift variant.
Genome position (GRCh38, 1-based): chr17:50,191,996, C deleted on the plus strand (G on the coding strand, the reverse complement: COL1A1 is on the minus strand); the first of 2 consecutive C bases (chr17:50,191,996-50,191,997); deleting either gives the same sequence. VCF-style (leftmost placement, unchanged base first): chr17-50191995-GC-G. GRCh37 (hg19) VCF-style: chr17-48269356-GC-G.
Other names: short protein forms G671fs.
Identifiers: ClinVar variation 3653232 (VCV003653232.2).
Genomic context (GRCh38, chr17:50,191,995, plus strand): 5'-AAGTACGACGCACCTTGACGGATGCAGCGAGAGAGGCCTACTTACTCTTGCTCCAGAGGG[GC>G]CAGGGGCGCCAAGGTCTCCAGGAACACCCTGAGGGGGAGGGAGAGAGGAACAGACAGTGA-3'